The following is an entry in ClinVar:

NM_001134407.3(GRIN2A):c.1270C>A (p.Pro424Thr)

Gene: GRIN2A (glutamate ionotropic receptor NMDA type subunit 2A; minus strand). Cytogenetic location: 16p13.2.
Variant type: single nucleotide variant.
Coding change: c.1270C>A on transcript NM_001134407.3 (MANE Select); coding-DNA position 1270, C replaced by A.
Protein change: p.Pro424Thr; replaces proline 424 with threonine.
Molecular consequence: missense variant.
Genome position (GRCh38, 1-based): chr16:9,849,814, G>T on the plus strand (C>A on the coding strand, the complement: GRIN2A is on the minus strand). VCF-style: chr16-9849814-G-T. GRCh37 (hg19) VCF-style: chr16-9943671-G-T.
Other names: c.1270C>A, p.Pro424Thr (NM_000833.5, NM_001134408.2); c.1270C>A (NM_000833.3); short protein forms P424T.
Identifiers: ClinVar variation 2430342 (VCV002430342.3), dbSNP rs2542861569, ClinGen allele CA394801034.
Genomic context (GRCh38, chr16:9,849,814, plus strand): 5'-ACTTGATTTTGACGAACTTCCGACATGGCACGGTGTTCCTCACACACGTCTCGGTCAGGG[G>T]GTCTATGTCTTCCACGATGACGAATGGGGCCTCCTCCAGGGTGACGATGCTGAGATGGTT-3'
Protein context (NP_001127879.1, residues 414-434): APFVIVEDID[Pro424Thr]LTETCVRNTV

ClinVar aggregate classification (germline): Uncertain significance. Review status: criteria provided, multiple submitters, no conflicts (2 of 4 stars). 2 submissions from 2 submitters: Uncertain significance (2). Last evaluated 2026-04-05.

Submissions (2):

GeneDx
Classification: Uncertain significance. Last evaluated: 2026-04-05. Review status: criteria provided, single submitter. Criteria: GeneDx Variant Classification Process June 2021. Collection method: clinical testing. Allele origin: germline.
Comment: Not observed at significant frequency in large population cohorts (gnomAD); In silico analysis supports that this missense variant has a deleterious effect on protein structure/function; Has not been previously published as pathogenic or benign to our knowledge; This variant is associated with the following publications: (PMID: 27839871)

Centre of Medical Genetics, University Hospital Muenster
Classification: Uncertain significance. Last evaluated: 2022-10-26. Review status: criteria provided, single submitter. Criteria: ACMG Guidelines, 2015. Collection method: clinical testing. Allele origin: unknown. Affected: yes. Observed: 1 variant allele, 1 heterozygote.
Comment: ACMG categories: PM2,PP3